The following is an entry in ClinVar:

ClinVar aggregate classification (germline): Pathogenic. Review status: criteria provided, multiple submitters, no conflicts (2 of 4 stars). 2 submissions from 2 submitters: Pathogenic (2). Last evaluated 2023-12-19.

Conditions:
Mucopolysaccharidosis, MPS-III-A (MPS3A). Also called: HEPARAN SULFATE SULFATASE DEFICIENCY; SANFILIPPO SYNDROME A; SULFAMIDASE DEFICIENCY; MPS III A; Mucopolysaccharidosis type IIIA (Sanfilippo A); MUCOPOLYSACCHARIDOSIS, TYPE IIIA, ATTENUATED. Identifiers: Orphanet 581, Orphanet 79269, MedGen C0086647, MONDO:0009655, OMIM 252900.

Submissions (2):

Baylor Genetics
Classification: Pathogenic for Mucopolysaccharidosis, MPS-III-A. Last evaluated: 2023-12-19. Review status: criteria provided, single submitter. Criteria: ACMG Guidelines, 2015. Collection method: clinical testing. Allele origin: unknown.

Labcorp Genetics (formerly Invitae), Labcorp
Classification: Pathogenic for Mucopolysaccharidosis, MPS-III-A. Last evaluated: 2023-07-16. Review status: criteria provided, single submitter. Criteria: Invitae Variant Classification Sherloc (09022015). Collection method: clinical testing. Allele origin: germline.
Comment: For these reasons, this variant has been classified as Pathogenic. This variant has not been reported in the literature in individuals affected with SGSH-related conditions. This variant is not present in population databases (gnomAD no frequency). This sequence change creates a premature translational stop signal (p.Leu17Serfs*247) in the SGSH gene. It is expected to result in an absent or disrupted protein product. Loss-of-function variants in SGSH are known to be pathogenic (PMID: 11182930, 21204211, 22976768).

Literature cited by the submitters: PubMed 11182930 (cited by Labcorp Genetics (formerly Invitae), Labcorp); PubMed 21204211 (cited by Labcorp Genetics (formerly Invitae), Labcorp); PubMed 22976768 (cited by Labcorp Genetics (formerly Invitae), Labcorp).

NM_000199.5(SGSH):c.48del (p.Leu17fs)

Gene: SGSH (N-sulfoglucosamine sulfohydrolase; minus strand). Cytogenetic location: 17q25.3.
Variant type: Deletion.
Coding change: c.48del on transcript NM_000199.5 (MANE Select); coding-DNA position 48, one base deleted (G; older notation c.48delG).
Protein change: p.Leu17fs; shifts the reading frame from leucine 17.
Molecular consequence: frameshift variant. On other transcripts: non-coding transcript variant (1).
Genome position (GRCh38, 1-based): chr17:80,220,266, C deleted on the plus strand (G on the coding strand, the reverse complement: SGSH is on the minus strand); the first of 4 consecutive C bases (chr17:80,220,266-80,220,269); deleting any one gives the same sequence. VCF-style (leftmost placement, unchanged base first): chr17-80220265-GC-G. GRCh37 (hg19) VCF-style: chr17-78194064-GC-G.
Other names: c.48del, p.Leu17fs (NM_001352921.3, NM_001352922.2); short protein forms L17fs.
Identifiers: ClinVar variation 2992827 (VCV002992827.3), dbSNP rs2510930388, ClinGen allele CA2640309389.